The following is an entry in ClinVar:

NM_000214.3(JAG1):c.756-83_780del

Gene: JAG1 (jagged canonical Notch ligand 1; minus strand). Cytogenetic location: 20p12.2.
Variant type: Deletion.
Coding change: c.756-83_780del on transcript NM_000214.3 (MANE Select); 83 bases into the intron before coding-DNA position 756 through coding-DNA position 780, 108 bases deleted.
Molecular consequence: splice acceptor variant.
Genome position (GRCh38, 1-based): chr20:10,652,574-10,652,681, 108 bases deleted. GRCh37 (hg19): chr20:10,633,227-10,633,334.
Identifiers: ClinVar variation 2635391 (VCV002635391.1), dbSNP rs2514521775, ClinGen allele CA2695201376.

ClinVar aggregate classification (germline): Likely pathogenic (1 of 4 stars; one submission).

Conditions:
JAG1-related disorder. Also called: JAG1-related disorders; JAG1-related condition.

Submission:

PreventionGenetics, part of Exact Sciences
Classification: Likely pathogenic for JAG1-related condition. Last evaluated: 2022-10-24. Review status: criteria provided, single submitter. Criteria: ACMG Guidelines, 2015. Collection method: clinical testing. Allele origin: germline.
Comment: The JAG1 c.756-83_780del108 variant is predicted to result in a deletion affecting a canonical splice site. To our knowledge, this variant has not been reported in the literature or in a large population database, indicating this variant is rare. This deletion overlaps the exon-intron boundary and although the effect of this variant on splicing cannot be predicted variants that disrupt the AG acceptor site in JAG1 are expected to be pathogenic. This variant is interpreted as likely pathogenic.